The following is an entry in ClinVar:

NM_201525.4(ADGRG1):c.1485C>A (p.Tyr495Ter)

Gene: ADGRG1 (adhesion G protein-coupled receptor G1; plus strand). Cytogenetic location: 16q21.
Variant type: single nucleotide variant.
Coding change: c.1485C>A on transcript NM_201525.4 (MANE Select); coding-DNA position 1485, C replaced by A.
Protein change: p.Tyr495Ter; replaces tyrosine 495 with a stop codon.
Molecular consequence: nonsense.
Genome position (GRCh38, 1-based): chr16:57,659,611, C>A. VCF-style: chr16-57659611-C-A. GRCh37 (hg19) VCF-style: chr16-57693523-C-A.
Other names: c.1485C>A, p.Tyr495Ter (NM_001145770.3, NM_001145772.3, NM_001145774.3 and 7 more transcripts); c.1503C>A, p.Tyr501Ter (NM_001145771.3, NM_005682.7, NM_001370428.1 and 4 more transcripts); c.1500C>A, p.Tyr500Ter (NM_001145773.3, NM_001370433.1, NM_001370434.1); c.1482C>A, p.Tyr494Ter (NM_001370441.1); c.1329C>A, p.Tyr443Ter (NM_001370442.1); c.960C>A, p.Tyr320Ter (NM_001370451.1, NM_001370453.1, NM_001370454.1 and 1 more transcripts); c.993C>A, p.Tyr331Ter (NM_001290142.2); c.978C>A, p.Tyr326Ter (NM_001290143.2); short protein forms Y320*, Y326*, Y331*, Y443*, Y494*, Y495*, Y500*, Y501*.
Identifiers: ClinVar variation 3613696 (VCV003613696.2).

ClinVar aggregate classification (germline): Pathogenic (1 of 4 stars; one submission).

Submission:

Labcorp Genetics (formerly Invitae), Labcorp
Classification: Pathogenic. Last evaluated: 2024-02-12. Review status: criteria provided, single submitter. Criteria: Invitae Variant Classification Sherloc (09022015). Collection method: clinical testing. Allele origin: germline.
Comment: This sequence change creates a premature translational stop signal (p.Tyr501*) in the ADGRG1 gene. It is expected to result in an absent or disrupted protein product. Loss-of-function variants in ADGRG1 are known to be pathogenic (PMID: 15044805, 20929962). This variant is not present in population databases (gnomAD no frequency). This premature translational stop signal has been observed in individual(s) with clinical features of ADGRG1-related conditions (PMID: 32552793). For these reasons, this variant has been classified as Pathogenic.

Literature cited by the submitters: PubMed 15044805; PubMed 20929962; PubMed 32552793.